The following is an entry in ClinVar:

ClinVar aggregate classification (germline): Uncertain significance (0 of 4 stars; one submission).

Conditions:
VPS13B-related disorder. Also called: VPS13B-related condition.

gnomAD v4.1: 8 of 1,613,898 alleles (0.0005%); highest among the groups gnomAD compares: Non-Finnish European, 0.00068%; no homozygotes.

Submission:

PreventionGenetics, part of Exact Sciences
Classification: Uncertain significance for VPS13B-related condition. Last evaluated: 2024-07-10. Review status: no assertion criteria provided. Collection method: clinical testing. Allele origin: germline.
Comment: The VPS13B c.9625C>G variant is predicted to result in the amino acid substitution p.Leu3209Val. To our knowledge, this variant has not been reported in the literature or in a large population database, indicating this variant is rare. At this time, the clinical significance of this variant is uncertain due to the absence of conclusive functional and genetic evidence.

NM_152564.5(VPS13B):c.9625C>G (p.Leu3209Val)

Gene: VPS13B (vacuolar protein sorting 13 homolog B; plus strand). Cytogenetic location: 8q22.2.
Variant type: single nucleotide variant.
Coding change: c.9625C>G on transcript NM_152564.5 (MANE Select); coding-DNA position 9625, C replaced by G.
Protein change: p.Leu3209Val; replaces leucine 3209 with valine.
Molecular consequence: missense variant.
Genome position (GRCh38, 1-based): chr8:99,835,207, C>G. VCF-style: chr8-99835207-C-G. GRCh37 (hg19) VCF-style: chr8-100847435-C-G.
Other names: c.9700C>G, p.Leu3234Val (NM_017890.5); short protein forms L3209V, L3234V.
Identifiers: ClinVar variation 3344252 (VCV003344252.1).